The following is an entry in ClinVar:

NM_004646.4(NPHS1):c.456del (p.Gln154fs)

Gene: NPHS1 (NPHS1 adhesion molecule, nephrin; minus strand). Cytogenetic location: 19q13.12.
Variant type: Deletion.
Coding change: c.456del on transcript NM_004646.4 (MANE Select); coding-DNA position 456, one base deleted (T; older notation c.456delT).
Protein change: p.Gln154fs; shifts the reading frame from glutamine 154.
Molecular consequence: frameshift variant.
Genome position (GRCh38, 1-based): chr19:35,851,031, A deleted on the plus strand (T on the coding strand, the reverse complement: NPHS1 is on the minus strand). VCF-style (leftmost placement, unchanged base first): chr19-35851030-CA-C. GRCh37 (hg19) VCF-style: chr19-36341932-CA-C.
Other names: short protein forms Q154fs.
Identifiers: ClinVar variation 988124 (VCV000988124.1), dbSNP rs1973238637, ClinGen allele CA2333851634.

ClinVar aggregate classification (germline): Likely pathogenic (0 of 4 stars; one submission).

Conditions:
Nephrotic syndrome. Identifiers: MedGen C0027726, MONDO:0005377, HP:0000100.

Submission:

Sydney Genome Diagnostics, Children's Hospital Westmead
Classification: Likely pathogenic for Nephrotic syndrome. Last evaluated: 2018-04-27. Review status: no assertion criteria provided. Collection method: clinical testing. Allele origin: unknown. Affected: yes. Observed: 1 variant allele, 1 compound heterozygote.
Comment: This frameshifting variant is predicted to create a premature stop codon p.(Gln154Argfs*22) and may result in a null allele due to nonsense-mediated mRNA decay. The variant has not been reported in any population databases (i.e.gnomAD, ExAC, ESP or dbSNP). To our knowledge, this variant has not been previously reported in the literature or any disease specific databases. However, other truncating variants downstream of this amino acid have been described in OMIM. This variant is considered to be likely pathogenic according to the ACMG guidelines.